The following is an entry in ClinVar:

ClinVar aggregate classification (germline): Uncertain significance (1 of 4 stars; one submission).

Submission:

Labcorp Genetics (formerly Invitae), Labcorp
Classification: Uncertain significance. Last evaluated: 2025-03-17. Review status: criteria provided, single submitter. Criteria: Invitae Variant Classification Sherloc (09022015). Collection method: clinical testing. Allele origin: germline.
Comment: This sequence change replaces asparagine, which is neutral and polar, with threonine, which is neutral and polar, at codon 540 of the SETD5 protein (p.Asn540Thr). This variant is not present in population databases (gnomAD no frequency). This variant has not been reported in the literature in individuals affected with SETD5-related conditions. ClinVar contains an entry for this variant (Variation ID: 2908354). Invitae Evidence Modeling of protein sequence and biophysical properties (such as structural, functional, and spatial information, amino acid conservation, physicochemical variation, residue mobility, and thermodynamic stability) indicates that this missense variant is not expected to disrupt SETD5 protein function with a negative predictive value of 80%. In summary, the available evidence is currently insufficient to determine the role of this variant in disease. Therefore, it has been classified as a Variant of Uncertain Significance.

NM_001080517.3(SETD5):c.1619A>C (p.Asn540Thr)

Gene: SETD5 (SET domain containing 5; plus strand). Cytogenetic location: 3p25.3.
Variant type: single nucleotide variant.
Coding change: c.1619A>C on transcript NM_001080517.3 (MANE Select); coding-DNA position 1619, A replaced by C.
Protein change: p.Asn540Thr; replaces asparagine 540 with threonine.
Molecular consequence: missense variant.
Genome position (GRCh38, 1-based): chr3:9,447,144, A>C. VCF-style: chr3-9447144-A-C. GRCh37 (hg19) VCF-style: chr3-9488828-A-C.
Other names: c.1325A>C, p.Asn442Thr (NM_001292043.2, NM_001349451.2); short protein forms N442T, N540T.
Identifiers: ClinVar variation 2908354 (VCV002908354.3), dbSNP rs2472937409, ClinGen allele CA351695749.